The following is an entry in ClinVar:

ClinVar aggregate classification (germline): Uncertain significance. Review status: criteria provided, multiple submitters, no conflicts (2 of 4 stars). 2 submissions from 2 submitters: Uncertain significance (2). Last evaluated 2025-11-12.

Conditions:
Inborn genetic diseases. Identifiers: MedGen C0950123, MeSH D030342.

Allele frequency attached by ClinVar (database versions not stated): TOPMed below 0.00001; gnomAD 0.00001; gnomAD exomes 0.00001; ExAC 0.00002.
gnomAD v4.1: 15 of 1,612,068 alleles (0.00093%); highest among the groups gnomAD compares: Admixed American, 0.015%; no homozygotes.

Submissions (2):

Labcorp Genetics (formerly Invitae), Labcorp
Classification: Uncertain significance. Last evaluated: 2025-11-12. Review status: criteria provided, single submitter. Criteria: Invitae Variant Classification Sherloc (09022015). Collection method: clinical testing. Allele origin: germline.
Comment: This sequence change replaces asparagine, which is neutral and polar, with serine, which is neutral and polar, at codon 183 of the ANK1 protein (p.Asn183Ser). This variant is present in population databases (rs754499344, gnomAD 0.01%). This variant has not been reported in the literature in individuals affected with ANK1-related conditions. ClinVar contains an entry for this variant (Variation ID: 2268055). An algorithm developed to predict the effect of missense changes on protein structure and function (PolyPhen-2) suggests that this variant is likely to be disruptive. In summary, the available evidence is currently insufficient to determine the role of this variant in disease. Therefore, it has been classified as a Variant of Uncertain Significance.

Ambry Genetics
Classification: Uncertain significance for Inborn genetic diseases. Last evaluated: 2025-08-11. Review status: criteria provided, single submitter. Criteria: Ambry Variant Classification Scheme 2023. Collection method: clinical testing. Allele origin: germline.

NM_000037.4(ANK1):c.548A>G (p.Asn183Ser)

Genes: ANK1 (ankyrin 1; minus strand), LOC124153154 (Sharpr-MPRA regulatory region 1462; plus strand). Cytogenetic location: 8p11.21.
Variant type: single nucleotide variant.
Coding change: c.548A>G on transcript NM_000037.4 (MANE Select); coding-DNA position 548, A replaced by G.
Protein change: p.Asn183Ser; replaces asparagine 183 with serine.
Molecular consequence: missense variant.
Genome position (GRCh38, 1-based): chr8:41,725,825, T>C on the plus strand (A>G on the coding strand, the complement: ANK1 is on the minus strand). VCF-style: chr8-41725825-T-C. GRCh37 (hg19) VCF-style: chr8-41583343-T-C.
Other names: c.647A>G, p.Asn216Ser (NM_001142446.2); c.548A>G, p.Asn183Ser (NM_020475.3, NM_020476.3, NM_020477.3); short protein forms N216S, N183S.
Identifiers: ClinVar variation 2268055 (VCV002268055.4), dbSNP rs754499344, ClinGen allele CA4728940.